The following is an entry in ClinVar:

NM_000531.6(OTC):c.430A>T (p.Lys144Ter)

Gene: OTC (ornithine transcarbamylase; plus strand). Cytogenetic location: Xp11.4.
Variant type: single nucleotide variant.
Coding change: c.430A>T on transcript NM_000531.6 (MANE Select); coding-DNA position 430, A replaced by T.
Protein change: p.Lys144Ter; replaces lysine 144 with a stop codon.
Molecular consequence: nonsense.
Genome position (GRCh38, 1-based): chrX:38,401,318, A>T. VCF-style: chrX-38401318-A-T. GRCh37 (hg19) VCF-style: chrX-38260571-A-T.
Other names: short protein forms K144*.
Identifiers: ClinVar variation 97200 (VCV000097200.2), dbSNP rs72556262, ClinGen allele CA224604.

ClinVar aggregate classification (germline): Pathogenic (0 of 4 stars; one submission).

Submission:

GenMed Metabolism Lab
Classification: Pathogenic. Review status: no assertion criteria provided. Collection method: not provided. Allele origin: unknown.
ClinVar note: Converted during submission from pathogenic to Pathogenic.